The following is an entry in ClinVar:

NM_177924.5(ASAH1):c.*926A>C

Gene: ASAH1 (N-acylsphingosine amidohydrolase 1; minus strand). Cytogenetic location: 8p22.
Variant type: single nucleotide variant.
Coding change: c.*926A>C on transcript NM_177924.5 (MANE Select); 926 bases downstream of the stop codon, A replaced by C.
Molecular consequence: 3 prime UTR variant.
Genome position (GRCh38, 1-based): chr8:18,056,608, T>G on the plus strand (A>C on the coding strand, the complement: ASAH1 is on the minus strand). VCF-style: chr8-18056608-T-G. GRCh37 (hg19) VCF-style: chr8-17914117-T-G.
Other names: c.*926A>C (NM_001127505.3, NM_001363743.2, NM_004315.6).
Identifiers: ClinVar variation 362354 (VCV000362354.6), dbSNP rs3810, ClinGen allele CA10627369.

ClinVar aggregate classification (germline): Benign. Review status: criteria provided, multiple submitters, no conflicts (2 of 4 stars). 2 submissions from 2 submitters: Benign (2). Last evaluated 2018-01-12.

Conditions:
Farber lipogranulomatosis (FRBRL). Also called: Farber's lipogranulomatosis; Farber's disease; Farber disease; AC DEFICIENCY; ACID CERAMIDASE DEFICIENCY; CERAMIDASE DEFICIENCY. Identifiers: Orphanet 333, MedGen C0268255, MONDO:0009218, OMIM 228000.

Allele frequency attached by ClinVar (database versions not stated): 1000 Genomes Project 0.34405; 1000 Genomes Project 30x 0.34666; TOPMed 0.47695.

Submissions (2):

Illumina Laboratory Services, Illumina
Classification: Benign for Farber lipogranulomatosis. Last evaluated: 2018-01-12. Review status: criteria provided, single submitter. Criteria: ICSL Variant Classification Criteria 13 December 2019. Collection method: clinical testing. Allele origin: germline.
Comment: This variant was observed in the ICSL laboratory as part of a predisposition screen in an ostensibly healthy population. It had not been previously curated by ICSL or reported in the Human Gene Mutation Database (HGMD: prior to June 1st, 2018), and was therefore a candidate for classification through an automated scoring system. Utilizing variant allele frequency, disease prevalence and penetrance estimates, and inheritance mode, an automated score was calculated to assess if this variant is too frequent to cause the disease. Based on the score and internal cut-off values, a variant classified as benign is not then subjected to further curation. The score for this variant resulted in a classification of benign for this disease.

Breakthrough Genomics
Classification: Benign. Review status: criteria provided, single submitter. Criteria: ACMG Guidelines, 2015. Collection method: not provided. Allele origin: germline. Inheritance: Autosomal recessive inheritance. Affected: yes.